The following is an entry in ClinVar:

ClinVar aggregate classification (germline): Conflicting classifications of pathogenicity. Review status: criteria provided, conflicting classifications (1 of 4 stars). 3 submissions from 3 submitters: Likely pathogenic (1); Uncertain significance (2). Last evaluated 2025-03-19.

Conditions:
Autosomal recessive congenital ichthyosis 10 (ARCI10). Identifiers: Orphanet 79394, MedGen C3554355, MONDO:0014011, OMIM 615024.

Submissions (3):

Women's Health and Genetics/Laboratory Corporation of America, LabCorp
Classification: Uncertain significance. Last evaluated: 2025-03-19. Review status: criteria provided, single submitter. Criteria: LabCorp Variant Classification Summary - May 2015. Collection method: clinical testing. Allele origin: germline.
Comment: Variant summary: PNPLA1 c.487C>A (p.Pro163Thr) results in a non-conservative amino acid change in the encoded protein sequence. Five of five in-silico tools predict a damaging effect of the variant on protein function. The variant was absent in 251306 control chromosomes. c.487C>A has been reported in the literature in at least one homozygous individual affected with congenital ichthyosis (e.g. Chiramel_2022). These data indicate that the variant may be associated with disease. To our knowledge, no experimental evidence demonstrating an impact on protein function has been reported. The following publication has been ascertained in the context of this evaluation (PMID: 35412663). ClinVar contains an entry for this variant (Variation ID: 2627968). Based on the evidence outlined above, the variant was classified as VUS-possibly pathogenic.

Kasturba Medical College, Manipal, Kasturba Medical College, Manipal, Manipal Academy of Higher Education, Manipal, India
Classification: Likely pathogenic for Autosomal recessive congenital ichthyosis 10. Review status: criteria provided, single submitter. Criteria: ACMG Guidelines, 2015. Collection method: research. Allele origin: biparental. Inheritance: Autosomal recessive inheritance. Affected: yes. Observed: 1 homozygote.
Comment: This variant is absent in heterozygous and/or homozygous state in the gnomAD population database (v4.1.0). This variant is present in two individuals in heterozygous state and absent in homozygous state in our in-house database of 3802 exomes. In-silico prediction tools (CADD_Phred and REVEL) are consistent in predicting the variant to be damaging to the PNPLA1 protein structure and function. A different amino acid change at the same position, p.(Pro163Leu), has been reported in individuals with congenital ichthyosis (Nohara et al. 2022). This variant lies in the patatin-like phospholipase domain, which is vital for the PNPLA1 enzyme activity (Nohara et al. 2022).

Neuberg Centre For Genomic Medicine, NCGM
Classification: Uncertain significance for Autosomal recessive congenital ichthyosis 10. Review status: criteria provided, single submitter. Criteria: ACMG Guidelines, 2015. Collection method: clinical testing. Allele origin: germline. Inheritance: Autosomal recessive inheritance. Affected: yes.
Comment: The missense variant p.P163T in PNPLA1 (NM_001145717.1) has not been reported previously as a pathogenic variant nor as a benign variant, to our knowledge.The p.P163T variant is novel (not in any individuals) in gnomAD Exomes and is novel (not in any individuals) in 1000 Genomes. The p.P163T missense variant is predicted to be damaging by both SIFT and PolyPhen2. The proline residue at codon 163 of PNPLA1 is conserved in all mammalian species. The nucleotide c.487 in PNPLA1 is predicted conserved by GERP++ and PhyloP across 100 vertebrates.For these reasons, this variant has been classified as Uncertain Significance

Literature cited by the submitters: PubMed 35412663 (cited by Women's Health and Genetics/Laboratory Corporation of America, LabCorp and Kasturba Medical College, Manipal, Kasturba Medical College, Manipal, Manipal Academy of Higher Education, Manipal, India); PubMed 35970721 (cited by Kasturba Medical College, Manipal, Kasturba Medical College, Manipal, Manipal Academy of Higher Education, Manipal, India).

NM_001374623.1(PNPLA1):c.487C>A (p.Pro163Thr)

Gene: PNPLA1 (patatin like domain 1, omega-hydroxyceramide transacylase; plus strand). Cytogenetic location: 6p21.31.
Variant type: single nucleotide variant.
Coding change: c.487C>A on transcript NM_001374623.1 (MANE Select); coding-DNA position 487, C replaced by A.
Protein change: p.Pro163Thr; replaces proline 163 with threonine.
Molecular consequence: missense variant.
Genome position (GRCh38, 1-based): chr6:36,293,109, C>A. VCF-style: chr6-36293109-C-A. GRCh37 (hg19) VCF-style: chr6-36260886-C-A.
Other names: c.202C>A, p.Pro68Thr (NM_001145716.2, NM_173676.2); c.487C>A, p.Pro163Thr (NM_001145717.1); short protein forms P163T, P68T.
Identifiers: ClinVar variation 2627968 (VCV002627968.3), dbSNP rs2533200721, ClinGen allele CA363812574.